The following is an entry in ClinVar:

ClinVar aggregate classification (germline): Uncertain significance. Review status: criteria provided, multiple submitters, no conflicts (2 of 4 stars). 2 submissions from 2 submitters: Uncertain significance (2). Last evaluated 2024-07-02.

Allele frequency attached by ClinVar (database versions not stated): gnomAD exomes below 0.00001.

Submissions (2):

GeneDx
Classification: Uncertain significance. Last evaluated: 2024-07-02. Review status: criteria provided, single submitter. Criteria: GeneDx Variant Classification Process June 2021. Collection method: clinical testing. Allele origin: germline.
Comment: Not observed at significant frequency in large population cohorts (gnomAD); In silico analysis supports that this missense variant has a deleterious effect on protein structure/function; Has not been previously published as pathogenic or benign to our knowledge

Labcorp Genetics (formerly Invitae), Labcorp
Classification: Uncertain significance. Last evaluated: 2023-12-11. Review status: criteria provided, single submitter. Criteria: Invitae Variant Classification Sherloc (09022015). Collection method: clinical testing. Allele origin: germline.
Comment: This sequence change replaces phenylalanine, which is neutral and non-polar, with leucine, which is neutral and non-polar, at codon 9 of the RHO protein (p.Phe9Leu). This variant is present in population databases (no rsID available, gnomAD 0.0009%). This variant has not been reported in the literature in individuals affected with RHO-related conditions. ClinVar contains an entry for this variant (Variation ID: 1022808). Advanced modeling of protein sequence and biophysical properties (such as structural, functional, and spatial information, amino acid conservation, physicochemical variation, residue mobility, and thermodynamic stability) performed at Invitae indicates that this missense variant is expected to disrupt RHO protein function with a positive predictive value of 95%. Algorithms developed to predict the effect of sequence changes on RNA splicing suggest that this variant may create or strengthen a splice site. In summary, the available evidence is currently insufficient to determine the role of this variant in disease. Therefore, it has been classified as a Variant of Uncertain Significance.

NM_000539.3(RHO):c.27C>A (p.Phe9Leu)

Gene: RHO (rhodopsin; plus strand). Cytogenetic location: 3q22.1.
Variant type: single nucleotide variant.
Coding change: c.27C>A on transcript NM_000539.3 (MANE Select); coding-DNA position 27, C replaced by A.
Protein change: p.Phe9Leu; replaces phenylalanine 9 with leucine.
Molecular consequence: missense variant.
Genome position (GRCh38, 1-based): chr3:129,528,760, C>A. VCF-style: chr3-129528760-C-A. GRCh37 (hg19) VCF-style: chr3-129247603-C-A.
Other names: short protein forms F9L.
Identifiers: ClinVar variation 1022808 (VCV001022808.10), dbSNP rs1361105199, ClinGen allele CA354495202.
Genomic context (GRCh38, chr3:129,528,760, plus strand): 5'-GAGCAGCCACGGGTCAGCCACAAGGGCCACAGCCATGAATGGCACAGAAGGCCCTAACTT[C>A]TACGTGCCCTTCTCCAATGCGACGGGTGTGGTACGCAGCCCCTTCGAGTACCCACAGTAC-3'
Protein context (NP_000530.1, residues 1-19): MNGTEGPN[Phe9Leu]YVPFSNATGV